The following is an entry in ClinVar:

ClinVar aggregate classification (germline): Uncertain significance (1 of 4 stars; one submission).

Submission:

CeGaT Center for Human Genetics Tuebingen
Classification: Uncertain significance. Last evaluated: 2025-07-01. Review status: criteria provided, single submitter. Criteria: CeGaT Center For Human Genetics Tuebingen Variant Classification Criteria Version 2. Collection method: clinical testing. Allele origin: germline. Affected: yes. Observed: 1 variant allele.
Comment: PLP1: PM2, BP4

NM_000533.5(PLP1):c.-1C>T

Genes: PLP1 (proteolipid protein 1; plus strand), RAB9B (RAB9B, member RAS oncogene family; minus strand). Cytogenetic location: Xq22.2.
Variant type: single nucleotide variant.
Coding change: c.-1C>T on transcript NM_000533.5 (MANE Select); 1 bases upstream of the start codon, C replaced by T.
Molecular consequence: 5 prime UTR variant.
Genome position (GRCh38, 1-based): chrX:103,776,995, C>T. VCF-style: chrX-103776995-C-T. GRCh37 (hg19) VCF-style: chrX-103031923-C-T.
Other names: c.-1C>T (NM_001128834.3, NM_001305004.1, NM_199478.3).
Identifiers: ClinVar variation 4085315 (VCV004085315.8).